The following is an entry in ClinVar:

NM_017849.4(TMEM127):c.160T>G (p.Leu54Val)

Gene: TMEM127 (transmembrane protein 127; minus strand). Cytogenetic location: 2q11.2.
Variant type: single nucleotide variant.
Coding change: c.160T>G on transcript NM_017849.4 (MANE Select); coding-DNA position 160, T replaced by G.
Protein change: p.Leu54Val; replaces leucine 54 with valine.
Molecular consequence: missense variant. On other transcripts: intron variant (1).
Genome position (GRCh38, 1-based): chr2:96,265,222, A>C on the plus strand (T>G on the coding strand, the complement: TMEM127 is on the minus strand). VCF-style: chr2-96265222-A-C. GRCh37 (hg19) VCF-style: chr2-96930960-A-C.
Other names: c.160T>G, p.Leu54Val (NM_001193304.3); c.-9+647T>G (NM_001407283.1); short protein forms L54V.
Identifiers: ClinVar variation 5030916 (VCV005030916.1).

ClinVar aggregate classification (germline): Uncertain significance (1 of 4 stars; one submission).

Conditions:
Hereditary cancer-predisposing syndrome. Also called: Neoplastic Syndromes, Hereditary; Tumor predisposition; Hereditary neoplastic syndrome; Hereditary Cancer Syndrome. Identifiers: Orphanet 140162, MedGen C0027672, MeSH D009386, MONDO:0015356.

Submission:

Ambry Genetics
Classification: Uncertain significance for Hereditary cancer-predisposing syndrome. Last evaluated: 2026-07-07. Review status: criteria provided, single submitter. Criteria: Ambry Variant Classification Scheme 2023. Collection method: clinical testing. Allele origin: germline.
Comment: The p.L54V variant (also known as c.160T>G), located in coding exon 1 of the TMEM127 gene, results from a T to G substitution at nucleotide position 160. The leucine at codon 54 is replaced by valine, an amino acid with highly similar properties. This amino acid position is conserved. In addition, the in silico prediction for this alteration is inconclusive. Based on the available evidence, the clinical significance of this variant remains unclear.